The following is an entry in ClinVar:

NM_005257.6(GATA6):c.1135+6G>T

Gene: GATA6 (GATA binding protein 6; plus strand). Cytogenetic location: 18q11.2.
Variant type: single nucleotide variant.
Coding change: c.1135+6G>T on transcript NM_005257.6 (MANE Select); 6 bases into the intron after coding-DNA position 1135, G replaced by T.
Molecular consequence: intron variant.
Genome position (GRCh38, 1-based): chr18:22,172,285, G>T. VCF-style: chr18-22172285-G-T. GRCh37 (hg19) VCF-style: chr18-19752246-G-T.
Identifiers: ClinVar variation 2869136 (VCV002869136.3), dbSNP rs1181988327, ClinGen allele CA2576468124.

ClinVar aggregate classification (germline): Uncertain significance (1 of 4 stars; one submission).

Conditions:
Atrioventricular septal defect 5 (AVSD5). Identifiers: MedGen C3280939, MONDO:0013769, OMIM 614474.

gnomAD v4.1: 1 of 1,531,558 alleles (0.000065%); highest among the groups gnomAD compares: Non-Finnish European, 0.000087%; no homozygotes.

Submission:

Labcorp Genetics (formerly Invitae), Labcorp
Classification: Uncertain significance for Atrioventricular septal defect 5. Last evaluated: 2025-02-28. Review status: criteria provided, single submitter. Criteria: Invitae Variant Classification Sherloc (09022015). Collection method: clinical testing. Allele origin: germline.
Comment: This sequence change falls in intron 2 of the GATA6 gene. It does not directly change the encoded amino acid sequence of the GATA6 protein. It affects a nucleotide within the consensus splice site. This variant is not present in population databases (gnomAD no frequency). This variant has not been reported in the literature in individuals affected with GATA6-related conditions. ClinVar contains an entry for this variant (Variation ID: 2869136). Variants that disrupt the consensus splice site are a relatively common cause of aberrant splicing (PMID: 17576681, 9536098). Algorithms developed to predict the effect of sequence changes on RNA splicing suggest that this variant is not likely to affect RNA splicing. In summary, the available evidence is currently insufficient to determine the role of this variant in disease. Therefore, it has been classified as a Variant of Uncertain Significance.

Literature cited by the submitters: PubMed 17576681; PubMed 9536098.